The following is an entry in ClinVar:

ClinVar aggregate classification (germline): Likely benign (1 of 4 stars; one submission).

Conditions:
KIT-related disorder. Also called: KIT-related condition.

Submission:

PreventionGenetics, part of Exact Sciences
Classification: Likely benign for KIT-related condition. Last evaluated: 2026-03-17. Review status: criteria provided, single submitter. Criteria: ACMG Guidelines, 2015. Collection method: clinical testing. Allele origin: germline.
Comment: This variant is classified as likely benign based on ACMG/AMP sequence variant interpretation guidelines (Richards et al. 2015 PMID: 25741868, with internal and published modifications).

NM_000222.3(KIT):c.2485-4A>G

Gene: KIT (KIT proto-oncogene, receptor tyrosine kinase; plus strand). Cytogenetic location: 4q12.
Variant type: single nucleotide variant.
Coding change: c.2485-4A>G on transcript NM_000222.3 (MANE Select); 4 bases into the intron before coding-DNA position 2485, A replaced by G.
Molecular consequence: intron variant.
Genome position (GRCh38, 1-based): chr4:54,736,494, A>G. VCF-style: chr4-54736494-A-G. GRCh37 (hg19) VCF-style: chr4-55602660-A-G.
Other names: c.2488-4A>G (NM_001385284.1); c.2485-4A>G (NM_001385290.1); c.2476-4A>G (NM_001385288.1); c.2473-4A>G (NM_001385292.1, NM_001093772.2); c.2482-4A>G (NM_001385285.1); c.2470-4A>G (NM_001385286.1).
Identifiers: ClinVar variation 4984228 (VCV004984228.1).